The following is an entry in ClinVar:

NM_005026.5(PIK3CD):c.3025G>A (p.Glu1009Lys)

Gene: PIK3CD (phosphatidylinositol-4,5-bisphosphate 3-kinase catalytic subunit delta; plus strand). Cytogenetic location: 1p36.22.
Variant type: single nucleotide variant.
Coding change: c.3025G>A on transcript NM_005026.5 (MANE Select); coding-DNA position 3025, G replaced by A.
Protein change: p.Glu1009Lys; replaces glutamic acid 1009 with lysine.
Molecular consequence: missense variant.
Genome position (GRCh38, 1-based): chr1:9,726,936, G>A. VCF-style: chr1-9726936-G-A. GRCh37 (hg19) VCF-style: chr1-9786994-G-A.
Other names: c.3022G>A, p.Glu1008Lys (NM_001350234.2); c.2938G>A, p.Glu980Lys (NM_001350235.1); short protein forms E1008K, E1009K, E980K.
Identifiers: ClinVar variation 2842543 (VCV002842543.3), dbSNP rs2525248609, ClinGen allele CA338308758.

ClinVar aggregate classification (germline): Uncertain significance (1 of 4 stars; one submission).

Conditions:
Immunodeficiency 14 (IMD14A). Also called: p110-DELTA-ACTIVATING MUTATION CAUSING SENESCENT T CELLS, LYMPHADENOPATHY, AND IMMUNODEFICIENCY; IMMUNODEFICIENCY 14A WITH LYMPHOPROLIFERATION, AUTOSOMAL DOMINANT; ACTIVATED PI3K-DELTA SYNDROME 1; Activated PI3K Delta Syndrome Type 1 (APDS1). Identifiers: Orphanet 397596, Orphanet 693661, MedGen C5907821, MONDO:0014222, OMIM 615513.

Allele frequency attached by ClinVar (database versions not stated): gnomAD exomes below 0.00001.
gnomAD v4.1: 1 of 1,613,944 alleles (0.000062%); highest among the groups gnomAD compares: Non-Finnish European, 0.000085%; no homozygotes.

Submission:

Labcorp Genetics (formerly Invitae), Labcorp
Classification: Uncertain significance for Activated PI3K-delta syndrome. Last evaluated: 2023-03-03. Review status: criteria provided, single submitter. Criteria: Invitae Variant Classification Sherloc (09022015). Collection method: clinical testing. Allele origin: germline.
Comment: This sequence change replaces glutamic acid, which is acidic and polar, with lysine, which is basic and polar, at codon 1009 of the PIK3CD protein (p.Glu1009Lys). This variant is not present in population databases (gnomAD no frequency). This variant has not been reported in the literature in individuals affected with PIK3CD-related conditions. Advanced modeling of protein sequence and biophysical properties (such as structural, functional, and spatial information, amino acid conservation, physicochemical variation, residue mobility, and thermodynamic stability) performed at Invitae indicates that this missense variant is not expected to disrupt PIK3CD protein function. In summary, the available evidence is currently insufficient to determine the role of this variant in disease. Therefore, it has been classified as a Variant of Uncertain Significance.